The following is an entry in ClinVar:

NM_000170.3(GLDC):c.224A>G (p.Gln75Arg)

Gene: GLDC (glycine decarboxylase; minus strand). Cytogenetic location: 9p24.1.
Variant type: single nucleotide variant.
Coding change: c.224A>G on transcript NM_000170.3 (MANE Select); coding-DNA position 224, A replaced by G.
Protein change: p.Gln75Arg; replaces glutamine 75 with arginine.
Molecular consequence: missense variant.
Genome position (GRCh38, 1-based): chr9:6,645,276, T>C on the plus strand (A>G on the coding strand, the complement: GLDC is on the minus strand). VCF-style: chr9-6645276-T-C. GRCh37 (hg19) VCF-style: chr9-6645276-T-C.
Other names: short protein forms Q75R.
Identifiers: ClinVar variation 1009804 (VCV001009804.12), dbSNP rs1819719916, ClinGen allele CA372886369.
Genomic context (GRCh38, chr9:6,645,276, plus strand): 5'-GCCGCGGAGGGCCGGGTGGAGGTCCTTACCGCCAGCCCCAAGGTCTGCAGCATCTCTCTC[T>C]GGTCTTTGTCCCCAGGGCCGATGTGCCTCCGAGCGAAGTCGTCGTGTCTGGGCAGAAGGC-3'
Protein context (NP_000161.2, residues 65-85): RRHIGPGDKD[Gln75Arg]REMLQTLGLA

ClinVar aggregate classification (germline): Uncertain significance. Review status: criteria provided, single submitter (1 of 4 stars). 2 submissions from 2 submitters: Uncertain significance (1). 1 of the submissions does not count toward it. Last evaluated 2023-12-11.

Conditions:
Glycine encephalopathy. Also called: Non-ketotic hyperglycinemia; Nonketotic hyperglycinemia. Identifiers: Orphanet 407, MedGen C0751748, MONDO:0011612, HP:0008288.

Allele frequency attached by ClinVar (database versions not stated): gnomAD exomes below 0.00001.
gnomAD v4.1: 4 of 1,604,324 alleles (0.00025%); highest among the groups gnomAD compares: Admixed American, 0.005%; no homozygotes.

Submissions (2):

Labcorp Genetics (formerly Invitae), Labcorp
Classification: Uncertain significance for Glycine encephalopathy. Last evaluated: 2023-12-11. Review status: criteria provided, single submitter. Criteria: Invitae Variant Classification Sherloc (09022015). Collection method: clinical testing. Allele origin: germline.
Comment: This sequence change replaces glutamine, which is neutral and polar, with arginine, which is basic and polar, at codon 75 of the GLDC protein (p.Gln75Arg). This variant is not present in population databases (gnomAD no frequency). This variant has not been reported in the literature in individuals affected with GLDC-related conditions. ClinVar contains an entry for this variant (Variation ID: 1009804). Advanced modeling of protein sequence and biophysical properties (such as structural, functional, and spatial information, amino acid conservation, physicochemical variation, residue mobility, and thermodynamic stability) performed at Invitae indicates that this missense variant is not expected to disrupt GLDC protein function with a negative predictive value of 80%. In summary, the available evidence is currently insufficient to determine the role of this variant in disease. Therefore, it has been classified as a Variant of Uncertain Significance.

Natera, Inc.
Classification: Uncertain significance for Non-ketotic hyperglycinemia. Last evaluated: 2021-10-13. Review status: no assertion criteria provided. Collection method: clinical testing. Allele origin: germline. Not counted in ClinVar's aggregate classification.